The following is an entry in ClinVar:

NM_018993.4(RIN2):c.2643T>G (p.Tyr881Ter)

Gene: RIN2 (Ras and Rab interactor 2; plus strand). Cytogenetic location: 20p11.23.
Variant type: single nucleotide variant.
Coding change: c.2643T>G on transcript NM_018993.4 (MANE Select); coding-DNA position 2643, T replaced by G.
Protein change: p.Tyr881Ter; replaces tyrosine 881 with a stop codon.
Molecular consequence: nonsense.
Genome position (GRCh38, 1-based): chr20:20,000,891, T>G. VCF-style: chr20-20000891-T-G. GRCh37 (hg19) VCF-style: chr20-19981535-T-G.
Other names: c.2790T>G, p.Tyr930Ter (NM_001242581.2); c.2025T>G, p.Tyr675Ter (NM_001378238.1); short protein forms Y881*, Y675*, Y930*.
Identifiers: ClinVar variation 2015066 (VCV002015066.4), dbSNP rs2515659926, ClinGen allele CA408368001.

ClinVar aggregate classification (germline): Uncertain significance (1 of 4 stars; one submission).

Submission:

Labcorp Genetics (formerly Invitae), Labcorp
Classification: Uncertain significance. Last evaluated: 2022-08-09. Review status: criteria provided, single submitter. Criteria: Invitae Variant Classification Sherloc (09022015). Collection method: clinical testing. Allele origin: germline.
Comment: This sequence change creates a premature translational stop signal (p.Tyr881*) in the RIN2 gene. While this is not anticipated to result in nonsense mediated decay, it is expected to disrupt the last 15 amino acid(s) of the RIN2 protein. This variant is not present in population databases (gnomAD no frequency). This variant has not been reported in the literature in individuals affected with RIN2-related conditions. Experimental studies and prediction algorithms are not available or were not evaluated, and the functional significance of this variant is currently unknown. In summary, the available evidence is currently insufficient to determine the role of this variant in disease. Therefore, it has been classified as a Variant of Uncertain Significance.